The following is an entry in ClinVar:

ClinVar aggregate classification (germline): Benign. Review status: criteria provided, multiple submitters, no conflicts (2 of 4 stars). 7 submissions from 7 submitters: Benign (6). 1 of the submissions does not count toward it. Last evaluated 2026-02-03.

Conditions:
Spastic paraplegia. Identifiers: MedGen C0037772, HP:0001258.
Hereditary spastic paraplegia. Also called: Familial spastic paraparesis. Identifiers: Orphanet 685, MedGen C0037773, MONDO:0019064. Disease mechanism: loss of function.
Hereditary spastic paraplegia 13 (SPG13). Also called: SPASTIC PARAPLEGIA 13, AUTOSOMAL DOMINANT; Spastic paraplegia 13. Identifiers: Orphanet 100994, MedGen C1854467, MONDO:0011532, OMIM 605280.

Allele frequency attached by ClinVar (database versions not stated): 1000 Genomes Project 30x 0.15522; 1000 Genomes Project 0.15815; ExAC 0.16425; ESP Exome Variant Server 0.16439; gnomAD 0.16721 and 0.16769; TOPMed 0.17012; gnomAD exomes 0.17279 and 0.18216.
gnomAD v4.1: 291,159 of 1,609,464 alleles (18%); highest among the groups gnomAD compares: East Asian, 23%; 24,827 homozygotes.

Submissions (7):

Labcorp Genetics (formerly Invitae), Labcorp
Classification: Benign for Spastic paraplegia. Last evaluated: 2026-02-03. Review status: criteria provided, single submitter. Criteria: Invitae Variant Classification Sherloc (09022015). Collection method: clinical testing. Allele origin: germline.

Mayo Clinic Laboratories, Mayo Clinic
Classification: Benign. Last evaluated: 2022-11-10. Review status: criteria provided, single submitter. Criteria: ACMG Guidelines, 2015. Collection method: clinical testing. Allele origin: germline. Observed: 749 variant alleles.
Comment: BA1, BP4, BP7

Illumina Laboratory Services, Illumina
Classification: Benign for Hereditary spastic paraplegia 13. Last evaluated: 2018-01-12. Review status: criteria provided, single submitter. Criteria: ICSL Variant Classification Criteria 13 December 2019. Collection method: clinical testing. Allele origin: germline.
Comment: This variant was observed in the ICSL laboratory as part of a predisposition screen in an ostensibly healthy population. It had not been previously curated by ICSL or reported in the Human Gene Mutation Database (HGMD: prior to June 1st, 2018), and was therefore a candidate for classification through an automated scoring system. Utilizing variant allele frequency, disease prevalence and penetrance estimates, and inheritance mode, an automated score was calculated to assess if this variant is too frequent to cause the disease. Based on the score and internal cut-off values, a variant classified as benign is not then subjected to further curation. The score for this variant resulted in a classification of benign for this disease.

Genome Diagnostics Laboratory, The Hospital for Sick Children
Classification: Benign for Hereditary spastic paraplegia. Last evaluated: 2016-12-12. Review status: criteria provided, single submitter. Criteria: ACMG Guidelines, 2015. Collection method: clinical testing. Allele origin: germline. Affected: yes.

GeneDx
Classification: Benign. Last evaluated: 2013-10-25. Review status: criteria provided, single submitter. Criteria: GeneDx Variant Classification (06012015). Collection method: clinical testing. Allele origin: germline. Affected: yes.
Comment: This variant is considered likely benign or benign based on one or more of the following criteria: it is a conservative change, it occurs at a poorly conserved position in the protein, it is predicted to be benign by multiple in silico algorithms, and/or has population frequency not consistent with disease.

Breakthrough Genomics
Classification: Benign. Review status: criteria provided, single submitter. Criteria: ACMG Guidelines, 2015. Collection method: not provided. Allele origin: germline. Inheritance: Autosomal recessive inheritance. Affected: yes.

Genetic Services Laboratory, University of Chicago
Classification: Likely benign for AllHighlyPenetrant. Review status: no assertion criteria provided. Collection method: clinical testing. Allele origin: germline. Not counted in ClinVar's aggregate classification.
Comment: Likely benign based on allele frequency in 1000 Genomes Project or ESP global frequency and its presence in a patient with a rare or unrelated disease phenotype. NOT Sanger confirmed.

Literature cited by the submitters: PubMed 18452155 (cited by Mayo Clinic Laboratories, Mayo Clinic); PubMed 28171541 (cited by Mayo Clinic Laboratories, Mayo Clinic); PubMed 33148303 (cited by Mayo Clinic Laboratories, Mayo Clinic).

NM_002156.5(HSPD1):c.69T>C (p.Thr23=)

Gene: HSPD1 (heat shock protein family D (Hsp60) member 1; minus strand). Cytogenetic location: 2q33.1.
Variant type: single nucleotide variant.
Coding change: c.69T>C on transcript NM_002156.5 (MANE Select); coding-DNA position 69, T replaced by C.
Protein change: p.Thr23=; no amino-acid change (threonine 23 retained).
Molecular consequence: synonymous variant.
Genome position (GRCh38, 1-based): chr2:197,498,780, A>G on the plus strand (T>C on the coding strand, the complement: HSPD1 is on the minus strand). VCF-style: chr2-197498780-A-G. GRCh37 (hg19) VCF-style: chr2-198363504-A-G.
Other names: p.T23T:ACT>ACC; p.Thr23=; c.69T>C, p.Thr23= (NM_199440.2).
Identifiers: ClinVar variation 129243 (VCV000129243.24), dbSNP rs1050347, ClinGen allele CA288911.